The following is an entry in ClinVar:

NM_020745.4(AARS2):c.451A>T (p.Met151Leu)

Gene: AARS2 (alanyl-tRNA synthetase 2, mitochondrial; minus strand). Cytogenetic location: 6p21.1.
Variant type: single nucleotide variant.
Coding change: c.451A>T on transcript NM_020745.4 (MANE Select); coding-DNA position 451, A replaced by T.
Protein change: p.Met151Leu; replaces methionine 151 with leucine.
Molecular consequence: missense variant.
Genome position (GRCh38, 1-based): chr6:44,311,520, T>A on the plus strand (A>T on the coding strand, the complement: AARS2 is on the minus strand). VCF-style: chr6-44311520-T-A. GRCh37 (hg19) VCF-style: chr6-44279257-T-A.
Other names: short protein forms M151L.
Identifiers: ClinVar variation 3621995 (VCV003621995.2).

ClinVar aggregate classification (germline): Uncertain significance (1 of 4 stars; one submission).

Submission:

Labcorp Genetics (formerly Invitae), Labcorp
Classification: Uncertain significance. Last evaluated: 2026-01-05. Review status: criteria provided, single submitter. Criteria: Invitae Variant Classification Sherloc (09022015). Collection method: clinical testing. Allele origin: germline.
Comment: This sequence change replaces methionine, which is neutral and non-polar, with leucine, which is neutral and non-polar, at codon 151 of the AARS2 protein (p.Met151Leu). This variant is not present in population databases (gnomAD no frequency). This variant has not been reported in the literature in individuals affected with AARS2-related conditions. ClinVar contains an entry for this variant (Variation ID: 3621995). Invitae Evidence Modeling of protein sequence and biophysical properties (such as structural, functional, and spatial information, amino acid conservation, physicochemical variation, residue mobility, and thermodynamic stability) indicates that this missense variant is not expected to disrupt AARS2 protein function with a negative predictive value of 80%. This variant disrupts the p.Met151 amino acid residue in AARS2. Other variant(s) that disrupt this residue have been determined to be pathogenic (PMID: 29237946, 31451716, 35084689). This suggests that this residue is clinically significant, and that variants that disrupt this residue are likely to be disease-causing. In summary, the available evidence is currently insufficient to determine the role of this variant in disease. Therefore, it has been classified as a Variant of Uncertain Significance.

Literature cited by the submitters: PubMed 29237946; PubMed 31451716; PubMed 35084689.